The following is an entry in ClinVar:

ClinVar aggregate classification (germline): Conflicting classifications of pathogenicity. Review status: criteria provided, conflicting classifications (1 of 4 stars). 7 submissions from 6 submitters: Pathogenic (3); Likely pathogenic (1); Uncertain significance (1). 2 of the submissions do not count toward it. Last evaluated 2026-03-05.

Conditions:
Developmental and epileptic encephalopathy 116. Identifiers: MedGen C5935615, MONDO:0970945, OMIM 620806.
Glutamine synthetase stabilization disorder.

Submissions (7):

Broad Center for Mendelian Genomics, Broad Institute of MIT and Harvard
Classification: Pathogenic for Developmental and epileptic encephalopathy 116. Last evaluated: 2026-03-05. Review status: criteria provided, single submitter. Criteria: ACMG Guidelines, 2015. Collection method: research. Allele origin: germline. Inheritance: Autosomal dominant inheritance. Study: GREGoR Consortium.
Comment: The c.-13-2A>G variant in GLUL has been reported as a de novo occurrence in 1 individual with features of developmental and epileptic encephalopathy 116 (Jones 2024 PMID: 38579670). It was absent from large population studies, but has been reported in ClinVar (Variation ID 1187386). This variant occurs within the canonical splice site(+/- 1,2) and is predicted to cause altered splicing. Sequencing of fibroblast cDNA from the previously reported proband supported the presence of an alternatively spliced transcript that excluded 26bp including the start codon (Jones 2024 PMID: 38579670). In samples from similarly affected individuals with this and several other de novo GLUL start loss variants, translation was observed to proceed from a downstream methionine (p.Met18) resulting in a truncated protein that was enzymatically competent but lacked a degron motif required for a glutamine-mediated negative regulation of enzyme stability (Jones 2024 PMID: 38579670). In summary, although additional studies are required to fully establish its clinical significance, this variant meets criteria to be classified as likely pathogenic for autosomal dominant developmental and epileptic encephalopathy. ACMG/AMP Criteria applied: PS2_Moderate, PM1, PS3_Supporting, PM2_Supporting.

Broad Center for Mendelian Genomics, Broad Institute of MIT and Harvard
Classification: Likely pathogenic for Developmental and epileptic encephalopathy 116. Last evaluated: 2025-01-09. Review status: criteria provided, single submitter. Criteria: ACMG Guidelines, 2015. Collection method: research. Allele origin: de novo. Inheritance: Autosomal dominant inheritance. Affected: yes.
Comment: The c.-13-2A>G variant in GLUL has been reported as a de novo occurrence in 1 individual with features of developmental and epileptic encephalopathy 116 (Jones 2024 PMID: 38579670). Please note that this variant has been identified by a collaborative research study and may also be submitted by the Laboratory for Molecular Medicine (Mass General Brigham Personalized Medicine). It was absent from large population studies, but has been reported in ClinVar (Variation ID 1187386). This variant occurs within the canonical splice site(+/- 1,2) and is predicted to cause altered splicing. Sequencing of fibroblast cDNA from the previously reported proband supported the presence of an alternatively spliced transcript that excluded 26bp including the start codon (Jones 2024 PMID: 38579670). In samples from similarly affected individuals with this and several other de novo GLUL start loss variants, translation was observed to proceed from a downstream methionine (p.Met18) resulting in a truncated protein that was enzymatically competent but lacked a degron motif required for a glutamine-mediated negative regulation of enzyme stability (Jones 2024 PMID: 38579670). In summary, although additional studies are required to fully establish its clinical significance, this variant meets criteria to be classified as likely pathogenic for autosomal dominant developmental and epileptic encephalopathy. ACMG/AMP Criteria applied: PS2_Moderate, PMl, PS3_Supporting, PM2_Supporting

3billion
Classification: Pathogenic for Developmental and epileptic encephalopathy 116. Last evaluated: 2024-11-16. Review status: criteria provided, single submitter. Criteria: ACMG Guidelines, 2015. Collection method: clinical testing. Allele origin: germline. Affected: yes.
Comment: The variant is not observed in the gnomAD v4.1.0 dataset. Predicted Consequence/Location: Canonical splice site: predicted to alter splicing and result in a loss or disruption of normal protein function. Multiple pathogenic loss-of-function variants are reported downstream of the variant. In silico tools predict the variant to alter splicing and produce an abnormal transcript [SpliceAI: 1.00 (spliceogenicity >=0.2, non-spliceogenicity <0.1)]. The variant has been reported to be associated with GLUL related disorder (ClinVar ID: VCV001187386). Therefore, this variant is classified as Pathogenic according to the recommendation of ACMG/AMP guideline.

GeneDx
Classification: Uncertain significance. Last evaluated: 2020-12-11. Review status: criteria provided, single submitter. Criteria: GeneDx Variant Classification Process June 2021. Collection method: clinical testing. Allele origin: germline. Affected: yes.
Comment: Not observed in large population cohorts (Lek et al., 2016); Canonical splice site variant in a gene for which loss-of-function is not a known mechanism of disease; Has not been previously published as pathogenic or benign to our knowledge

Rare Disease Center, Seoul National University Hospital
Classification: Pathogenic for Developmental and epileptic encephalopathy 116. Review status: criteria provided, single submitter. Criteria: ACMG Guidelines, 2015. Collection method: clinical testing. Allele origin: de novo. Affected: yes.
Comment: PS2, PS3, PM2

OMIM
Classification: Pathogenic for DEVELOPMENTAL AND EPILEPTIC ENCEPHALOPATHY 116. Last evaluated: 2026-04-02. Review status: no assertion criteria provided. Collection method: literature only. Allele origin: germline. Not counted in ClinVar's aggregate classification.

Women's and Children's Health, University of Otago
Classification: Likely pathogenic for Glutamine synthetase stabilization disorder. Last evaluated: 2023-12-01. Review status: no assertion criteria provided. Collection method: clinical testing. Allele origin: de novo. Affected: yes. Not counted in ClinVar's aggregate classification.

Literature cited by the submitters: PubMed 38579670 (cited by Broad Center for Mendelian Genomics, Broad Institute of MIT and Harvard and OMIM).

NM_001033044.4(GLUL):c.-13-2A>G

Gene: GLUL (glutamate-ammonia ligase; minus strand). Cytogenetic location: 1q25.3.
Variant type: single nucleotide variant.
Coding change: c.-13-2A>G on transcript NM_001033044.4 (MANE Select); the canonical splice acceptor site of the intron before 13 bases upstream of the start codon, A replaced by G.
Molecular consequence: splice acceptor variant.
Genome position (GRCh38, 1-based): chr1:182,388,752, T>C on the plus strand (A>G on the coding strand, the complement: GLUL is on the minus strand). VCF-style: chr1-182388752-T-C. GRCh37 (hg19) VCF-style: chr1-182357887-T-C.
Other names: c.-13-2A>G (NM_002065.7, NM_001033056.4); c.-13-1G>A (NM_001033044.4).
Identifiers: ClinVar variation 1187386 (VCV001187386.7), dbSNP rs2101936731, ClinGen allele CA2499214330.